The following is an entry in ClinVar:

NM_001040105.2(MUC17):c.573T>A (p.Ser191=)

Gene: MUC17 (mucin 17, cell surface associated; plus strand). Cytogenetic location: 7q22.1.
Variant type: single nucleotide variant.
Coding change: c.573T>A on transcript NM_001040105.2 (MANE Select); coding-DNA position 573, T replaced by A.
Protein change: p.Ser191=; no amino-acid change (serine 191 retained).
Molecular consequence: synonymous variant. On other transcripts: non-coding transcript variant (1).
Genome position (GRCh38, 1-based): chr7:101,031,989, T>A. VCF-style: chr7-101031989-T-A. GRCh37 (hg19) VCF-style: chr7-100675270-T-A.
Identifiers: ClinVar variation 2657833 (VCV002657833.24), dbSNP rs754012525, ClinGen allele CA4400869.

ClinVar aggregate classification (germline): Likely benign (1 of 4 stars; one submission).

Allele frequency attached by ClinVar (database versions not stated): gnomAD 0.00001; TOPMed 0.00003; ExAC 0.00004.
gnomAD v4.1: 26 of 1,614,116 alleles (0.0016%); highest among the groups gnomAD compares: Middle Eastern, 0.049%; no homozygotes.

Submission:

CeGaT Center for Human Genetics Tuebingen
Classification: Likely benign. Last evaluated: 2022-07-01. Review status: criteria provided, single submitter. Criteria: CeGaT Center For Human Genetics Tuebingen Variant Classification Criteria Version 2. Collection method: clinical testing. Allele origin: germline. Affected: yes. Observed: 1 variant allele.
Comment: MUC17: BP4, BP7